The following is an entry in ClinVar:

ClinVar aggregate classification (germline): Uncertain significance (1 of 4 stars; one submission).

gnomAD v4.1: 1 of 1,472,668 alleles (0.000068%); highest among the groups gnomAD compares: Non-Finnish European, 0.000089%; no homozygotes.

Submission:

Labcorp Genetics (formerly Invitae), Labcorp
Classification: Uncertain significance. Last evaluated: 2024-02-26. Review status: criteria provided, single submitter. Criteria: Invitae Variant Classification Sherloc (09022015). Collection method: clinical testing. Allele origin: germline.
Comment: This sequence change replaces proline, which is neutral and non-polar, with alanine, which is neutral and non-polar, at codon 405 of the RIMS1 protein (p.Pro405Ala). This variant is not present in population databases (gnomAD no frequency). This missense change has been observed in individual(s) with inherited retinal dystrophy (Invitae). ClinVar contains an entry for this variant (Variation ID: 1509097). Algorithms developed to predict the effect of missense changes on protein structure and function output the following: SIFT: "Not Available"; PolyPhen-2: "Benign"; Align-GVGD: "Not Available". The alanine amino acid residue is found in multiple mammalian species, which suggests that this missense change does not adversely affect protein function. In summary, the available evidence is currently insufficient to determine the role of this variant in disease. Therefore, it has been classified as a Variant of Uncertain Significance.

NM_014989.7(RIMS1):c.1213C>G (p.Pro405Ala)

Gene: RIMS1 (regulating synaptic membrane exocytosis 1; plus strand). Cytogenetic location: 6q13.
Variant type: single nucleotide variant.
Coding change: c.1213C>G on transcript NM_014989.7 (MANE Select); coding-DNA position 1213, C replaced by G.
Protein change: p.Pro405Ala; replaces proline 405 with alanine.
Molecular consequence: missense variant.
Genome position (GRCh38, 1-based): chr6:72,182,684, C>G. VCF-style: chr6-72182684-C-G. GRCh37 (hg19) VCF-style: chr6-72892387-C-G.
Other names: short protein forms P405A.
Identifiers: ClinVar variation 1509097 (VCV001509097.8), dbSNP rs1366874463, ClinGen allele CA364820493.